The following is an entry in ClinVar:

ClinVar aggregate classification (germline): Conflicting classifications of pathogenicity. Review status: criteria provided, conflicting classifications (1 of 4 stars). 4 submissions from 4 submitters: Uncertain significance (1); Likely benign (3). Last evaluated 2026-06-11.

Conditions:
PRPF8-related disorder. Also called: PRPF8-related condition.
Inborn genetic diseases. Identifiers: MedGen C0950123, MeSH D030342.

Allele frequency attached by ClinVar (database versions not stated): gnomAD exomes 0.00003; gnomAD 0.00039; 1000 Genomes Project 0.00040; TOPMed 0.00042; 1000 Genomes Project 30x 0.00062; ESP Exome Variant Server 0.00069.
gnomAD v4.1: 96 of 1,614,148 alleles (0.0059%); highest among the groups gnomAD compares: African/African-American, 0.1%; 1 homozygote.

Submissions (4):

Ambry Genetics
Classification: Uncertain significance for Inborn genetic diseases. Last evaluated: 2026-06-11. Review status: criteria provided, single submitter. Criteria: Ambry Variant Classification Scheme 2023. Collection method: clinical testing. Allele origin: germline.
Comment: The c.6854-3A>C intronic alteration consists of a A to C substitution 3 nucleotides before coding exon 42 in the PRPF8 gene. Based on data from gnomAD, the C allele has an overall frequency of 0.014% (38/282232) total alleles studied. The highest observed frequency was 0.12% (30/24960) of African alleles. Based on insufficient or conflicting evidence, the clinical significance of this alteration remains unclear.

Labcorp Genetics (formerly Invitae), Labcorp
Classification: Likely benign. Last evaluated: 2025-02-27. Review status: criteria provided, single submitter. Criteria: Invitae Variant Classification Sherloc (09022015). Collection method: clinical testing. Allele origin: germline.

PreventionGenetics, part of Exact Sciences
Classification: Likely benign for PRPF8-related condition. Last evaluated: 2024-11-27. Review status: criteria provided, single submitter. Criteria: ACMG Guidelines, 2015. Collection method: clinical testing. Allele origin: germline.
Comment: This variant is classified as likely benign based on ACMG/AMP sequence variant interpretation guidelines (Richards et al. 2015 PMID: 25741868, with internal and published modifications).

Blueprint Genetics
Classification: Likely benign. Last evaluated: 2024-08-08. Review status: criteria provided, single submitter. Criteria: ACMG Guidelines, 2015. Collection method: clinical testing. Allele origin: germline.

NM_006445.4(PRPF8):c.6854-3A>C

Gene: PRPF8 (pre-mRNA processing factor 8; minus strand). Cytogenetic location: 17p13.3.
Variant type: single nucleotide variant.
Coding change: c.6854-3A>C on transcript NM_006445.4 (MANE Select); 3 bases into the intron before coding-DNA position 6854, A replaced by C.
Molecular consequence: intron variant.
Genome position (GRCh38, 1-based): chr17:1,650,959, T>G on the plus strand (A>C on the coding strand, the complement: PRPF8 is on the minus strand). VCF-style: chr17-1650959-T-G. GRCh37 (hg19) VCF-style: chr17-1554253-T-G.
Other names: c.6854-3A>C (NM_006445.3).
Identifiers: ClinVar variation 1146043 (VCV001146043.10), dbSNP rs374387787, ClinGen allele CA8271062.